The following is an entry in ClinVar:

NM_015570.4(AUTS2):c.2824C>T (p.Pro942Ser)

Gene: AUTS2 (activator of transcription and developmental regulator AUTS2; plus strand). Cytogenetic location: 7q11.22.
Variant type: single nucleotide variant.
Coding change: c.2824C>T on transcript NM_015570.4 (MANE Select); coding-DNA position 2824, C replaced by T.
Protein change: p.Pro942Ser; replaces proline 942 with serine.
Molecular consequence: missense variant.
Genome position (GRCh38, 1-based): chr7:70,790,040, C>T. VCF-style: chr7-70790040-C-T. GRCh37 (hg19) VCF-style: chr7-70255026-C-T.
Other names: c.2752C>T, p.Pro918Ser (NM_001127231.3); short protein forms P918S, P942S.
Identifiers: ClinVar variation 1968890 (VCV001968890.5), dbSNP rs766336613, ClinGen allele CA4281196.

ClinVar aggregate classification (germline): Uncertain significance (1 of 4 stars; one submission).

Allele frequency attached by ClinVar (database versions not stated): TOPMed 0.00001; ExAC 0.00002.
gnomAD v4.1: 6 of 1,582,406 alleles (0.00038%); highest among the groups gnomAD compares: Admixed American, 0.0037%; no homozygotes.

Submission:

Labcorp Genetics (formerly Invitae), Labcorp
Classification: Uncertain significance. Last evaluated: 2025-09-03. Review status: criteria provided, single submitter. Criteria: Invitae Variant Classification Sherloc (09022015). Collection method: clinical testing. Allele origin: germline.
Comment: This sequence change replaces proline, which is neutral and non-polar, with serine, which is neutral and polar, at codon 942 of the AUTS2 protein (p.Pro942Ser). This variant is present in population databases (rs766336613, gnomAD 0.008%). This variant has not been reported in the literature in individuals affected with AUTS2-related conditions. ClinVar contains an entry for this variant (Variation ID: 1968890). Invitae Evidence Modeling of protein sequence and biophysical properties (such as structural, functional, and spatial information, amino acid conservation, physicochemical variation, residue mobility, and thermodynamic stability) indicates that this missense variant is expected to disrupt AUTS2 protein function with a positive predictive value of 80%. In summary, the available evidence is currently insufficient to determine the role of this variant in disease. Therefore, it has been classified as a Variant of Uncertain Significance.